The following is an entry in ClinVar:

NM_001854.4(COL11A1):c.2251G>T (p.Gly751Cys)

Gene: COL11A1 (collagen type XI alpha 1 chain; minus strand). Cytogenetic location: 1p21.1.
Variant type: single nucleotide variant.
Coding change: c.2251G>T on transcript NM_001854.4 (MANE Select); coding-DNA position 2251, G replaced by T.
Protein change: p.Gly751Cys; replaces glycine 751 with cysteine.
Molecular consequence: missense variant. On other transcripts: non-coding transcript variant (1).
Genome position (GRCh38, 1-based): chr1:102,996,033, C>A on the plus strand (G>T on the coding strand, the complement: COL11A1 is on the minus strand). VCF-style: chr1-102996033-C-A. GRCh37 (hg19) VCF-style: chr1-103461589-C-A.
Other names: c.1903G>T, p.Gly635Cys (NM_001168249.1, NM_080630.4); c.2134G>T, p.Gly712Cys (NM_001190709.2); c.2287G>T, p.Gly763Cys (NM_080629.3); short protein forms G635C, G751C, G712C, G763C.
Identifiers: ClinVar variation 2754678 (VCV002754678.3), dbSNP rs766589007, ClinGen allele CA341169103.

ClinVar aggregate classification (germline): Uncertain significance (1 of 4 stars; one submission).

Submission:

Labcorp Genetics (formerly Invitae), Labcorp
Classification: Uncertain significance. Last evaluated: 2023-08-24. Review status: criteria provided, single submitter. Criteria: Invitae Variant Classification Sherloc (09022015). Collection method: clinical testing. Allele origin: germline.
Comment: This variant is not present in population databases (gnomAD no frequency). This sequence change replaces glycine, which is neutral and non-polar, with cysteine, which is neutral and slightly polar, at codon 751 of the COL11A1 protein (p.Gly751Cys). This variant has not been reported in the literature in individuals affected with COL11A1-related conditions. Advanced modeling of protein sequence and biophysical properties (such as structural, functional, and spatial information, amino acid conservation, physicochemical variation, residue mobility, and thermodynamic stability) has been performed at Invitae for this missense variant, however the output from this modeling did not meet the statistical confidence thresholds required to predict the impact of this variant on COL11A1 protein function. In summary, the available evidence is currently insufficient to determine the role of this variant in disease. Therefore, it has been classified as a Variant of Uncertain Significance.